The following is an entry in ClinVar:

NM_007118.4(TRIO):c.4289C>T (p.Thr1430Met)

Gene: TRIO (trio Rho guanine nucleotide exchange factor; plus strand). Cytogenetic location: 5p15.2.
Variant type: single nucleotide variant.
Coding change: c.4289C>T on transcript NM_007118.4 (MANE Select); coding-DNA position 4289, C replaced by T.
Protein change: p.Thr1430Met; replaces threonine 1430 with methionine.
Molecular consequence: missense variant. On other transcripts: non-coding transcript variant (1).
Genome position (GRCh38, 1-based): chr5:14,394,108, C>T. VCF-style: chr5-14394108-C-T. GRCh37 (hg19) VCF-style: chr5-14394217-C-T.
Other names: short protein forms T1430M.
Identifiers: ClinVar variation 4525709 (VCV004525709.1).

ClinVar aggregate classification (germline): Uncertain significance (1 of 4 stars; one submission).

Submission:

Women's Health and Genetics/Laboratory Corporation of America, LabCorp
Classification: Uncertain significance. Last evaluated: 2025-07-22. Review status: criteria provided, single submitter. Criteria: LabCorp Variant Classification Summary - May 2015. Collection method: clinical testing. Allele origin: germline.
Comment: Variant summary: TRIO c.4289C>T (p.Thr1430Met) results in a non-conservative amino acid change in the encoded protein sequence. Algorithms developed to predict the effect of missense changes on protein structure and function are either unavailable or do not agree on the potential impact of this missense change. The variant was absent in 251072 control chromosomes. The available data on variant occurrences in the general population are insufficient to allow any conclusion about variant significance. To our knowledge, no occurrence of c.4289C>T in individuals affected with TRIO-Related Intellectual Disability and no experimental evidence demonstrating its impact on protein function have been reported. No submitters have cited clinical-significance assessments for this variant to ClinVar. Based on the evidence outlined above, the variant was classified as uncertain significance.